The following is an entry in ClinVar:

ClinVar aggregate classification (germline): Pathogenic (1 of 4 stars; one submission).

Conditions:
Retinitis pigmentosa 28 (RP28). Identifiers: Orphanet 791, MedGen C1419614, MONDO:0011630, OMIM 606068.

Submission:

Myriad Genetics, Inc.
Classification: Pathogenic for Retinitis pigmentosa 28. Last evaluated: 2025-05-20. Review status: criteria provided, single submitter. Criteria: Myriad Autosomal Dominant, Autosomal Recessive and X-Linked Classification Criteria (2023). Collection method: clinical testing. Allele origin: unknown.
Comment: NM_001201543.1(FAM161A):c.343A>T(K115*) is a nonsense variant classified as pathogenic in the context of retinitis pigmentosa, FAM161A-related. K115* has not been observed in cases with relevant disease. Relevant functional assessments of this variant are not available in the literature. K115* has not been observed in referenced population frequency databases. In summary, NM_001201543.1(FAM161A):c.343A>T(K115*) is a nonsense variant in a gene where loss of function is a known mechanism of disease and is predicted to disrupt protein function. Please note: this variant was assessed in the context of healthy population screening.

NM_001201543.2(FAM161A):c.343A>T (p.Lys115Ter)

Gene: FAM161A (FAM161 centrosomal protein A; minus strand). Cytogenetic location: 2p15.
Variant type: single nucleotide variant.
Coding change: c.343A>T on transcript NM_001201543.2 (MANE Select); coding-DNA position 343, A replaced by T.
Protein change: p.Lys115Ter; replaces lysine 115 with a stop codon.
Molecular consequence: nonsense. On other transcripts: non-coding transcript variant (1).
Genome position (GRCh38, 1-based): chr2:61,842,201, T>A on the plus strand (A>T on the coding strand, the complement: FAM161A is on the minus strand). VCF-style: chr2-61842201-T-A. GRCh37 (hg19) VCF-style: chr2-62069336-T-A.
Other names: c.343A>T, p.Lys115Ter (NM_032180.3); short protein forms K115*.
Identifiers: ClinVar variation 4081675 (VCV004081675.1).